The following is an entry in ClinVar:

NM_001042492.3(NF1):c.1381C>T (p.Arg461Ter)

Gene: NF1 (neurofibromin 1; plus strand). Cytogenetic location: 17q11.2.
Variant type: single nucleotide variant.
Coding change: c.1381C>T on transcript NM_001042492.3 (MANE Select); coding-DNA position 1381, C replaced by T.
Protein change: p.Arg461Ter; replaces arginine 461 with a stop codon.
Molecular consequence: nonsense.
Genome position (GRCh38, 1-based): chr17:31,206,360, C>T. VCF-style: chr17-31206360-C-T. GRCh37 (hg19) VCF-style: chr17-29533378-C-T.
Other names: c.1381C>T, p.Arg461Ter (NM_000267.4, NM_001128147.3); short protein forms R461*.
Identifiers: ClinVar variation 237514 (VCV000237514.74), dbSNP rs878853865, ClinGen allele CA10583470.

ClinVar aggregate classification (germline): Pathogenic. Review status: criteria provided, multiple submitters, no conflicts (2 of 4 stars). 27 submissions from 27 submitters: Pathogenic (26). 1 of the submissions does not count toward it. Last evaluated 2026-09-29.

Conditions:
NF1-related disorder. Also called: NF1-related condition. Identifiers: MedGen CN379171.
Gastric cancer. Also called: Stomach cancer; Malignant tumor of stomach. Identifiers: MedGen C0024623, MeSH D013274, MONDO:0001056, OMIM 613659, HP:0012126.
Hereditary cancer-predisposing syndrome. Also called: Hereditary Cancer Syndrome; Tumor predisposition; Hereditary neoplastic syndrome; Neoplastic Syndromes, Hereditary. Identifiers: Orphanet 140162, MedGen C0027672, MeSH D009386, MONDO:0015356.
Juvenile myelomonocytic leukemia (JMML). Also called: LEUKEMIA, JUVENILE MYELOMONOCYTIC, SOMATIC. Identifiers: Orphanet 86834, MedGen C0349639, MONDO:0011908, OMIM 607785, HP:0012209.
Neurofibromatosis, type 1 (NF1). Also called: Peripheral type neurofibromatosis; Neurofibromatosis, type I; VON RECKLINGHAUSEN DISEASE; NEUROFIBROMATOSIS, TYPE I, SOMATIC. Identifiers: Orphanet 636, MedGen C0027831, MONDO:0018975, OMIM 162200. Disease mechanism: loss of function.

Allele frequency attached by ClinVar (database versions not stated): gnomAD exomes below 0.00001.

Submissions 1 to 14 of 27:

Myriad Genetics, Inc.
Classification: Pathogenic for Neurofibromatosis, type 1. Last evaluated: 2026-09-29. Review status: criteria provided, single submitter. Criteria: Myriad Autosomal Dominant, Autosomal Recessive and X-Linked Classification Criteria (2023). Collection method: clinical testing. Allele origin: unknown.
Comment: This variant is considered pathogenic. This variant creates a termination codon and is predicted to result in premature protein truncation.

Institute of Medical Genetics and Applied Genomics, University Hospital Tübingen
Classification: Pathogenic for Neurofibromatosis, type 1. Last evaluated: 2026-02-16. Review status: criteria provided, single submitter. Criteria: ACMG Guidelines, 2015. Collection method: clinical testing. Allele origin: germline. Inheritance: Autosomal dominant inheritance. Affected: yes.

Labcorp Genetics (formerly Invitae), Labcorp
Classification: Pathogenic for Neurofibromatosis, type 1. Last evaluated: 2026-01-27. Review status: criteria provided, single submitter. Criteria: Invitae Variant Classification Sherloc (09022015). Collection method: clinical testing. Allele origin: germline.
Comment: This sequence change creates a premature translational stop signal (p.Arg461*) in the NF1 gene. It is expected to result in an absent or disrupted protein product. Loss-of-function variants in NF1 are known to be pathogenic (PMID: 10712197, 23913538). This variant is not present in population databases (gnomAD no frequency). This premature translational stop signal has been observed in individual(s) with neurofibromatosis type 1 (PMID: 10712197, 10862084, 16944272, 23668869). Invitae Evidence Modeling of clinical and family history, age, sex, and reported ancestry of multiple individuals with this NF1 variant has been performed. This variant is expected to be pathogenic with a positive predictive value of at least 99%. This is a validated machine learning model that incorporates the clinical features of 1,785,918 individuals referred to our laboratory for NF1 testing. ClinVar contains an entry for this variant (Variation ID: 237514). For these reasons, this variant has been classified as Pathogenic.

Dasa
Classification: Pathogenic. Last evaluated: 2026-01-14. Review status: criteria provided, single submitter. Criteria: DASA Assertion Criteria. Collection method: clinical testing. Allele origin: germline.
Comment: NM_001042492.3(NF1):c.1381C>T (p.Arg461Ter) introduces a premature termination codon predicted to result in loss of normal protein function. Loss-of-function is an established mechanism of disease for this gene. This variant has been recurrently observed in individuals with related phenotype (PMID: 35885913; PMID: 33443663; PMID: 26962827). The variant is present at low frequency in population datasets. Based on the available data, this variant is classified as pathogenic.

CeGaT Center for Human Genetics Tuebingen
Classification: Pathogenic. Last evaluated: 2025-09-01. Review status: criteria provided, single submitter. Criteria: CeGaT Center For Human Genetics Tuebingen Variant Classification Criteria Version 2. Collection method: clinical testing. Allele origin: germline. Affected: yes. Observed: 2 variant alleles.
Comment: NF1: PVS1, PS4, PM2

St. Jude Molecular Pathology, St. Jude Children's Research Hospital
Classification: Pathogenic for Neurofibromatosis, type 1. Last evaluated: 2025-06-17. Review status: criteria provided, single submitter. Criteria: St. Jude Assertion Criteria 2020. Collection method: clinical testing. Allele origin: germline.
Comment: The NF1 c.1381C>T p.(Arg461Ter) change is a nonsense variant that is predicted to cause premature protein truncation or absence of protein due to nonsense-mediated decay. This variant has been reported in multiple individuals with Neurofibromatosis type 1 (PMID: 10712197, 10862084, 16479075, 16835897, 26969325, internal data). This variant is also absent in gnomAD v2.1.1. In summary, this variant meets criteria to be classified as pathogenic.

3billion
Classification: Pathogenic for Neurofibromatosis, type 1. Last evaluated: 2025-04-14. Review status: criteria provided, single submitter. Criteria: ACMG Guidelines, 2015. Collection method: clinical testing. Allele origin: germline. Affected: yes.
Comment: The variant is observed at an extremely low frequency in the gnomAD v4.1.0 dataset (total allele frequency: <0.001%). Predicted Consequence/Location:Stop-gained (nonsense): predicted to result in a loss or disruption of normal protein function through nonsense-mediated decay (NMD) or protein truncation. Multiple pathogenic variants are reported downstream of the variant. The variant has been reported at least twice as pathogenic with clinical assertions and evidence for the classification (ClinVar ID: VCV000237514 / PMID: 10712197 / 3billion dataset).Therefore, this variant is classified as Pathogenic according to the recommendation of ACMG/AMP guideline.

ARUP Laboratories, Molecular Genetics and Genomics, ARUP Laboratories
Classification: Pathogenic. Last evaluated: 2024-09-12. Review status: criteria provided, single submitter. Criteria: ARUP Molecular Germline Variant Investigation Process 2024. Collection method: clinical testing. Allele origin: germline.
Comment: The NF1 c.1381C>T; p.Arg461Ter variant (rs878853865) is reported in the literature in several individuals affected with neurofibromatosis type 1 (Fahsold 2000, Stewart 2008). This variant is absent from general population databases (Exome Variant Server, Genome Aggregation Database), indicating it is not a common polymorphism. This variant induces an early termination codon and is predicted to result in a truncated protein or mRNA subject to nonsense-mediated decay. Based on available information, this variant is considered to be pathogenic. References: Fahsold R et al. Minor lesion mutational spectrum of the entire NF1 gene does not explain its high mutability but points to a functional domain upstream of the GAP-related domain. Am J Hum Genet. 2000 66(3):790-818. Stewart H et al. Congenital disseminated neurofibromatosis type 1: a clinical and molecular case report. Am J Med Genet A. 2008 Jun 1;146A(11):1444-52.

Institute of Human Genetics, University of Leipzig Medical Center
Classification: Pathogenic for Neurofibromatosis, type 1. Last evaluated: 2024-07-10. Review status: criteria provided, single submitter. Criteria: ACMG Guidelines, 2015. Collection method: clinical testing. Allele origin: unknown. Inheritance: Autosomal dominant inheritance. Affected: yes.
Comment: Criteria applied: PVS1,PS4,PM2_SUP,PP4

NHS Central & South Genomic Laboratory Hub
Classification: Pathogenic for Neurofibromatosis type 1. Last evaluated: 2024-07-01. Review status: criteria provided, single submitter. Criteria: ACMG Guidelines, 2015. Collection method: clinical testing. Allele origin: germline. Affected: yes.

Blueprint Genetics
Classification: Pathogenic for NF1-related disorders. Last evaluated: 2024-06-27. Review status: criteria provided, single submitter. Criteria: ACMG Guidelines, 2015. Collection method: clinical testing. Allele origin: germline. Affected: yes. Observed: 4 variant alleles.

Institute for Genomic Medicine (IGM) Clinical Laboratory, Nationwide Children's Hospital
Classification: Pathogenic for Neurofibromatosis, type 1. Last evaluated: 2024-05-07. Review status: criteria provided, single submitter. Criteria: ACMG Guidelines, 2015. Collection method: clinical testing. Allele origin: germline.
Comment: This variant is predicted to result in loss of function through nonsense-mediated decay of the encoded transcript or premature truncation of the encoded protein in a gene in which loss of function is a known mechanism of disease (ACMG/AMP: PVS1). This variant has been reported at an elevated frequency in affected individuals/in multiple affected individuals in the literature (ACMG/AMP: PS4; PMIDs:10712197, 10862084, 16479075, 16835897, 16944272, 23668869, 23913538, 31370276, 37806041). This variant is absent from or present at an exceedingly low frequency in gnomAD, a large-scale control population database (ACMG/AMP: PM2).

Swedish National ChiCaP Initative, Genomic Medicine Sweden
Classification: Pathogenic for NF1-related disorder. Last evaluated: 2024-05-01. Review status: criteria provided, single submitter. Criteria: ACMG Guidelines, 2015. Collection method: clinical testing. Allele origin: de novo. Affected: yes.

Quest Diagnostics Nichols Institute San Juan Capistrano
Classification: Pathogenic. Last evaluated: 2023-12-19. Review status: criteria provided, single submitter. Criteria: Quest Diagnostics criteria. Collection method: clinical testing. Allele origin: unknown.
Comment: The NF1 c.1381C>T (p.Arg461*) variant causes the premature termination of NF1 protein synthesis. This variant has been reported in the published literature in individuals with neurofibromatosis 1 (NF1) (PMID: 10712197 (2000), 10862084 (2000), 16944272 (2007), 23668869 (2013), 24789688 (2014), 33877690 (2021)), and breast cancer (PMID: 33471991 (2021)). This variant has not been reported in large, multi-ethnic general populations (Genome Aggregation Database). Based on the available information, this variant is classified as pathogenic.